The following is an entry in ClinVar:

NM_001007553.3(CSDE1):c.1930G>T (p.Asp644Tyr)

Gene: CSDE1 (cold shock domain containing E1; minus strand). Cytogenetic location: 1p13.2.
Variant type: single nucleotide variant.
Coding change: c.1930G>T on transcript NM_001007553.3 (MANE Select); coding-DNA position 1930, G replaced by T.
Protein change: p.Asp644Tyr; replaces aspartic acid 644 with tyrosine.
Molecular consequence: missense variant.
Genome position (GRCh38, 1-based): chr1:114,720,661, C>A on the plus strand (G>T on the coding strand, the complement: CSDE1 is on the minus strand). VCF-style: chr1-114720661-C-A. GRCh37 (hg19) VCF-style: chr1-115263282-C-A.
Other names: c.1975G>T, p.Asp659Tyr (NM_001130523.3); c.2068G>T, p.Asp690Tyr (NM_001242891.2); c.1930G>T, p.Asp644Tyr (NM_001242892.2); c.1837G>T, p.Asp613Tyr (NM_001242893.2, NM_007158.6); short protein forms D613Y, D644Y, D659Y, D690Y.
Identifiers: ClinVar variation 3345625 (VCV003345625.1).
Genomic context (GRCh38, chr1:114,720,661, plus strand): 5'-GTGCATTTTGGCCCAGGACACACAATTGGAACTTGACGCTCTCCCCTTTCTGCAGGCAAT[C>A]CCCTTTGTTGGCCATCCCAACGATGCCAAATGGATAGACCTCACCTTTCATATCGCCTGT-3'
Protein context (NP_001007554.1, residues 634-654): FGIVGMANKG[Asp644Tyr]CLQKGESVKF

ClinVar aggregate classification (germline): Uncertain significance (0 of 4 stars; one submission).

Conditions:
CSDE1-related disorder. Also called: CSDE1-related condition.

gnomAD v4.1: 2 of 1,614,068 alleles (0.00012%); highest among the groups gnomAD compares: African/African-American, 0.0013%; no homozygotes.

Submission:

PreventionGenetics, part of Exact Sciences
Classification: Uncertain significance for CSDE1-related condition. Last evaluated: 2024-07-09. Review status: no assertion criteria provided. Collection method: clinical testing. Allele origin: germline.
Comment: The CSDE1 c.1975G>T variant is predicted to result in the amino acid substitution p.Asp659Tyr. To our knowledge, this variant has not been reported in the literature. This variant is reported in 0.0080% of alleles in individuals of African descent in gnomAD. At this time, the clinical significance of this variant is uncertain due to the absence of conclusive functional and genetic evidence.